The following is an entry in ClinVar:

NM_002691.4(POLD1):c.1462G>T (p.Asp488Tyr)

Gene: POLD1 (DNA polymerase delta 1, catalytic subunit; plus strand). Cytogenetic location: 19q13.33.
Variant type: single nucleotide variant.
Coding change: c.1462G>T on transcript NM_002691.4 (MANE Select); coding-DNA position 1462, G replaced by T.
Protein change: p.Asp488Tyr; replaces aspartic acid 488 with tyrosine.
Molecular consequence: missense variant. On other transcripts: non-coding transcript variant (1).
Genome position (GRCh38, 1-based): chr19:50,406,485, G>T. VCF-style: chr19-50406485-G-T. GRCh37 (hg19) VCF-style: chr19-50909742-G-T.
Other names: c.1462G>T, p.Asp488Tyr (NM_001256849.1, NM_001308632.1); short protein forms D488Y.
Identifiers: ClinVar variation 950340 (VCV000950340.7), dbSNP rs2038888710, ClinGen allele CA406980258.

ClinVar aggregate classification (germline): Uncertain significance (1 of 4 stars; one submission).

Conditions:
POLD1-related polyposis and colorectal cancer syndrome (CRCS10). Also called: Colorectal cancer 10; COLORECTAL CANCER, SUSCEPTIBILITY TO, ON CHROMOSOME 19q; Colorectal cancer, susceptibility to, 10. Identifiers: Orphanet 220460, MedGen C2675481, MONDO:0012953, OMIM 612591.

Submission:

Labcorp Genetics (formerly Invitae), Labcorp
Classification: Uncertain significance for POLD1-related polyposis and colorectal cancer syndrome. Last evaluated: 2021-09-07. Review status: criteria provided, single submitter. Criteria: Invitae Variant Classification Sherloc (09022015). Collection method: clinical testing. Allele origin: germline.
Comment: This sequence change replaces aspartic acid with tyrosine at codon 488 of the POLD1 protein (p.Asp488Tyr). The aspartic acid residue is highly conserved and there is a large physicochemical difference between aspartic acid and tyrosine. This variant is not present in population databases (ExAC no frequency). This variant has not been reported in the literature in individuals affected with POLD1-related conditions. Algorithms developed to predict the effect of missense changes on protein structure and function are either unavailable or do not agree on the potential impact of this missense change (SIFT: "Deleterious"; PolyPhen-2: "Probably Damaging"; Align-GVGD: "Class C15"). Algorithms developed to predict the effect of sequence changes on RNA splicing suggest that this variant may create or strengthen a splice site. In summary, the available evidence is currently insufficient to determine the role of this variant in disease. Therefore, it has been classified as a Variant of Uncertain Significance.